The following is an entry in ClinVar:

ClinVar aggregate classification (germline): Uncertain significance (1 of 4 stars; one submission).

Allele frequency attached by ClinVar (database versions not stated): gnomAD exomes below 0.00001.
gnomAD v4.1: 1 of 1,608,722 alleles (0.000062%); highest among the groups gnomAD compares: Non-Finnish European, 0.000085%; no homozygotes.

Submission:

Labcorp Genetics (formerly Invitae), Labcorp
Classification: Uncertain significance. Last evaluated: 2022-11-08. Review status: criteria provided, single submitter. Criteria: Invitae Variant Classification Sherloc (09022015). Collection method: clinical testing. Allele origin: germline.
Comment: In summary, the available evidence is currently insufficient to determine the role of this variant in disease. Therefore, it has been classified as a Variant of Uncertain Significance. Algorithms developed to predict the effect of missense changes on protein structure and function are either unavailable or do not agree on the potential impact of this missense change (SIFT: "Deleterious"; PolyPhen-2: "Benign"; Align-GVGD: "Class C0"). ClinVar contains an entry for this variant (Variation ID: 1365223). This variant has not been reported in the literature in individuals affected with SPEG-related conditions. This variant is not present in population databases (gnomAD no frequency). This sequence change replaces threonine, which is neutral and polar, with isoleucine, which is neutral and non-polar, at codon 3151 of the SPEG protein (p.Thr3151Ile).

NM_005876.5(SPEG):c.9452C>T (p.Thr3151Ile)

Genes: ASIC4-AS1 (ASIC4 antisense RNA 1; minus strand), SPEG (striated muscle enriched protein kinase; plus strand). Cytogenetic location: 2q35.
Variant type: single nucleotide variant.
Coding change: c.9452C>T on transcript NM_005876.5 (MANE Select); coding-DNA position 9452, C replaced by T.
Protein change: p.Thr3151Ile; replaces threonine 3151 with isoleucine.
Molecular consequence: missense variant.
Genome position (GRCh38, 1-based): chr2:219,491,860, C>T. VCF-style: chr2-219491860-C-T. GRCh37 (hg19) VCF-style: chr2-220356582-C-T.
Other names: short protein forms T3151I.
Identifiers: ClinVar variation 1365223 (VCV001365223.8), dbSNP rs1559438010, ClinGen allele CA350718028.